The following is an entry in ClinVar:

ClinVar aggregate classification (germline): Pathogenic (1 of 4 stars; one submission).

Conditions:
Familial cancer of breast. Also called: hereditary breast carcinoma; Hereditary breast cancer; BREAST CANCER, FAMILIAL. Identifiers: Orphanet 227535, MedGen C0346153, MONDO:0016419, OMIM 114480. Disease mechanism: loss of function.

Submission:

Labcorp Genetics (formerly Invitae), Labcorp
Classification: Pathogenic for Familial cancer of breast. Last evaluated: 2021-02-19. Review status: criteria provided, single submitter. Criteria: Invitae Variant Classification Sherloc (09022015). Collection method: clinical testing. Allele origin: germline.
Comment: This sequence change creates a premature translational stop signal (p.Gly741Alafs*23) in the PALB2 gene. It is expected to result in an absent or disrupted protein product. Loss-of-function variants in PALB2 are known to be pathogenic (PMID: 17200668, 24136930, 25099575). This variant is not present in population databases (ExAC no frequency). For these reasons, this variant has been classified as Pathogenic. Algorithms developed to predict the effect of sequence changes on RNA splicing suggest that this variant may create or strengthen a splice site, but this prediction has not been confirmed by published transcriptional studies. This variant has not been reported in the literature in individuals with PALB2-related conditions.

Literature cited by the submitters: PubMed 17200668; PubMed 24136930; PubMed 25099575.

NM_024675.4(PALB2):c.2222del (p.Gly741fs)

Gene: PALB2 (partner and localizer of BRCA2; minus strand). Cytogenetic location: 16p12.2.
Variant type: Deletion.
Coding change: c.2222del on transcript NM_024675.4 (MANE Select); coding-DNA position 2222, one base deleted (G; older notation c.2222delG).
Protein change: p.Gly741fs; shifts the reading frame from glycine 741.
Molecular consequence: frameshift variant.
Genome position (GRCh38, 1-based): chr16:23,629,932, C deleted on the plus strand (G on the coding strand, the reverse complement: PALB2 is on the minus strand); the first of 2 consecutive C bases (chr16:23,629,932-23,629,933); deleting either gives the same sequence. VCF-style (leftmost placement, unchanged base first): chr16-23629931-GC-G. GRCh37 (hg19) VCF-style: chr16-23641252-GC-G.
Other names: short protein forms G741fs.
Identifiers: ClinVar variation 1443697 (VCV001443697.7), dbSNP rs2142377985, ClinGen allele CA2573152216.